The following is an entry in ClinVar:

ClinVar aggregate classification (germline): Uncertain significance (1 of 4 stars; one submission).

Conditions:
Intellectual disability, X-linked, with or without seizures, ARX-related. Also called: MENTAL RETARDATION, X-LINKED 29; MENTAL RETARDATION, X-LINKED 32; MENTAL RETARDATION, X-LINKED 33; MENTAL RETARDATION, X-LINKED 38; MENTAL RETARDATION, X-LINKED 43; MENTAL RETARDATION, X-LINKED 76. Identifiers: Orphanet 777, MedGen C0796244, MONDO:0010317, OMIM 300419.
Developmental and epileptic encephalopathy, 1 (DEE1). Also called: INFANTILE SPASM SYNDROME, X-LINKED 1; X-linked infantile spasms; West's syndrome; Tonic spasms with clustering, arrest of psychomotor development and hypsarrhythmia on EEG; X-Linked Infantile Spasm Syndrome; OHTAHARA SYNDROME, X-LINKED. Identifiers: MedGen C3463992, MONDO:0010632, OMIM 308350. Disease mechanism: loss of function.

gnomAD v4.1: 3 of 1,081,266 alleles (0.00028%); highest among the groups gnomAD compares: Admixed American, 0.0035%; no homozygotes.

Submission:

Labcorp Genetics (formerly Invitae), Labcorp
Classification: Uncertain significance for Developmental and epileptic encephalopathy, 1; Intellectual disability, X-linked, with or without seizures, ARX-related. Last evaluated: 2024-08-08. Review status: criteria provided, single submitter. Criteria: Invitae Variant Classification Sherloc (09022015). Collection method: clinical testing. Allele origin: germline.
Comment: This sequence change replaces threonine, which is neutral and polar, with methionine, which is neutral and non-polar, at codon 199 of the ARX protein (p.Thr199Met). This variant is not present in population databases (gnomAD no frequency). This variant has not been reported in the literature in individuals affected with ARX-related conditions. Advanced modeling of protein sequence and biophysical properties (such as structural, functional, and spatial information, amino acid conservation, physicochemical variation, residue mobility, and thermodynamic stability) performed at Invitae indicates that this missense variant is not expected to disrupt ARX protein function with a negative predictive value of 95%. In summary, the available evidence is currently insufficient to determine the role of this variant in disease. Therefore, it has been classified as a Variant of Uncertain Significance.

NM_139058.3(ARX):c.596C>T (p.Thr199Met)

Gene: ARX (aristaless related homeobox; minus strand). Cytogenetic location: Xp21.3.
Variant type: single nucleotide variant.
Coding change: c.596C>T on transcript NM_139058.3 (MANE Select); coding-DNA position 596, C replaced by T.
Protein change: p.Thr199Met; replaces threonine 199 with methionine.
Molecular consequence: missense variant.
Genome position (GRCh38, 1-based): chrX:25,013,399, G>A on the plus strand (C>T on the coding strand, the complement: ARX is on the minus strand). VCF-style: chrX-25013399-G-A. GRCh37 (hg19) VCF-style: chrX-25031516-G-A.
Other names: short protein forms T199M.
Identifiers: ClinVar variation 3758493 (VCV003758493.2).